The following is an entry in ClinVar:

NM_001039141.3(TRIOBP):c.3875A>G (p.Gln1292Arg)

Gene: TRIOBP (TRIO and F-actin binding protein; plus strand). Cytogenetic location: 22q13.1.
Variant type: single nucleotide variant.
Coding change: c.3875A>G on transcript NM_001039141.3 (MANE Select); coding-DNA position 3875, A replaced by G.
Protein change: p.Gln1292Arg; replaces glutamine 1292 with arginine.
Molecular consequence: missense variant.
Genome position (GRCh38, 1-based): chr22:37,726,431, A>G. VCF-style: chr22-37726431-A-G. GRCh37 (hg19) VCF-style: chr22-38122438-A-G.
Other names: short protein forms Q1292R.
Identifiers: ClinVar variation 3381599 (VCV003381599.1).

ClinVar aggregate classification (germline): Uncertain significance (1 of 4 stars; one submission).

gnomAD v4.1: 4 of 1,585,322 alleles (0.00025%); highest among the groups gnomAD compares: Non-Finnish European, 0.00034%; no homozygotes.

Submission:

GeneDx
Classification: Uncertain significance. Last evaluated: 2024-05-20. Review status: criteria provided, single submitter. Criteria: GeneDx Variant Classification Process June 2021. Collection method: clinical testing. Allele origin: germline. Affected: yes.
Comment: Not observed at significant frequency in large population cohorts (gnomAD); In silico analysis indicates that this missense variant does not alter protein structure/function; Has not been previously published as pathogenic or benign to our knowledge